The following is an entry in ClinVar:

ClinVar aggregate classification (germline): Uncertain significance (1 of 4 stars; one submission).

Submission:

Labcorp Genetics (formerly Invitae), Labcorp
Classification: Uncertain significance. Last evaluated: 2025-10-28. Review status: criteria provided, single submitter. Criteria: Invitae Variant Classification Sherloc (09022015). Collection method: clinical testing. Allele origin: germline.
Comment: This sequence change falls in intron 29 of the FLNB gene. It does not directly change the encoded amino acid sequence of the FLNB protein. It affects a nucleotide within the consensus splice site. This variant is present in population databases (rs370207784, gnomAD 0.0009%). This variant has not been reported in the literature in individuals affected with FLNB-related conditions. Variants that disrupt the consensus splice site are a relatively common cause of aberrant splicing (PMID: 17576681, 9536098). Algorithms developed to predict the effect of sequence changes on RNA splicing suggest that this variant is not likely to affect RNA splicing. In summary, the available evidence is currently insufficient to determine the role of this variant in disease. Therefore, it has been classified as a Variant of Uncertain Significance.

Literature cited by the submitters: PubMed 17576681; PubMed 9536098.

NM_001457.4(FLNB):c.5109+4A>T

Gene: FLNB (filamin B; plus strand). Cytogenetic location: 3p14.3.
Variant type: single nucleotide variant.
Coding change: c.5109+4A>T on transcript NM_001457.4 (MANE Select); 4 bases into the intron after coding-DNA position 5109, A replaced by T.
Molecular consequence: intron variant.
Genome position (GRCh38, 1-based): chr3:58,138,533, A>T. VCF-style: chr3-58138533-A-T. GRCh37 (hg19) VCF-style: chr3-58124260-A-T.
Other names: c.5202+4A>T (NM_001164317.2); c.5109+4A>T (NM_001164318.2, NM_001164319.2).
Identifiers: ClinVar variation 4730100 (VCV004730100.1).
Genomic context (GRCh38, chr3:58,138,533, plus strand): 5'-GTGATCTATGTGCGCTTCGGTGGTGTTGATATTCCTAACAGCCCCTTCACTGTCATGGTA[A>T]GGAAAATTCCTTCTCCCGAGCATGCTGTTATTGGTGGAAACTGTAACAGCTGCCGTTTGT-3'